The following is an entry in ClinVar:

NM_002474.3(MYH11):c.2812G>A (p.Gly938Ser)

Gene: MYH11 (myosin heavy chain 11; minus strand). Cytogenetic location: 16p13.11.
Variant type: single nucleotide variant.
Coding change: c.2812G>A on transcript NM_002474.3 (MANE Select); coding-DNA position 2812, G replaced by A.
Protein change: p.Gly938Ser; replaces glycine 938 with serine.
Molecular consequence: missense variant.
Genome position (GRCh38, 1-based): chr16:15,741,510, C>T on the plus strand (G>A on the coding strand, the complement: MYH11 is on the minus strand). VCF-style: chr16-15741510-C-T. GRCh37 (hg19) VCF-style: chr16-15835367-C-T.
Other names: c.2833G>A, p.Gly945Ser (NM_001040113.2, NM_001040114.2); c.2812G>A, p.Gly938Ser (NM_022844.3); short protein forms G938S, G945S.
Identifiers: ClinVar variation 628475 (VCV000628475.21), dbSNP rs1227980651, ClinGen allele CA394865005.

ClinVar aggregate classification (germline): Uncertain significance. Review status: criteria provided, multiple submitters, no conflicts (2 of 4 stars). 5 submissions from 5 submitters: Uncertain significance (5). Last evaluated 2025-11-18.

Conditions:
Aortic aneurysm, familial thoracic 4 (AAT4). Also called: AORTIC ANEURYSM/AORTIC DISSECTION AND PATENT DUCTUS ARTERIOSUS. Identifiers: MedGen C1851504, MONDO:0007568, OMIM 132900.
Familial thoracic aortic aneurysm and aortic dissection (TAAD). Also called: Thoracic aortic aneurysms and dissections. Identifiers: Orphanet 91387, MedGen C4707243, MONDO:0019625.

Allele frequency attached by ClinVar (database versions not stated): gnomAD 0.00001; TOPMed 0.00001.
gnomAD v4.1: 10 of 1,609,384 alleles (0.00062%); highest among the groups gnomAD compares: Admixed American, 0.0033%; no homozygotes.

Submissions (5):

Labcorp Genetics (formerly Invitae), Labcorp
Classification: Uncertain significance for Aortic aneurysm, familial thoracic 4. Last evaluated: 2025-11-18. Review status: criteria provided, single submitter. Criteria: Invitae Variant Classification Sherloc (09022015). Collection method: clinical testing. Allele origin: germline.
Comment: This sequence change replaces glycine, which is neutral and non-polar, with serine, which is neutral and polar, at codon 945 of the MYH11 protein (p.Gly945Ser). This variant is present in population databases (no rsID available, gnomAD 0.003%). This variant has not been reported in the literature in individuals affected with MYH11-related conditions. ClinVar contains an entry for this variant (Variation ID: 628475). Invitae Evidence Modeling of protein sequence and biophysical properties (such as structural, functional, and spatial information, amino acid conservation, physicochemical variation, residue mobility, and thermodynamic stability) indicates that this missense variant is not expected to disrupt MYH11 protein function with a negative predictive value of 95%. In summary, the available evidence is currently insufficient to determine the role of this variant in disease. Therefore, it has been classified as a Variant of Uncertain Significance.

All of Us Research Program, National Institutes of Health
Classification: Uncertain significance for Familial thoracic aortic aneurysm and aortic dissection. Last evaluated: 2024-07-10. Review status: criteria provided, single submitter. Criteria: ACMG Guidelines, 2015. Collection method: clinical testing. Allele origin: germline. Inheritance: Autosomal dominant inheritance. Observed: 3 variant alleles, 3 heterozygotes.
Comment: Variant of Uncertain Significance due to insufficient evidence: This missense variant is located in the coiled coil myosin tail domain of the MYH11 protein. Computational prediction tools and conservation analyses suggest that this variant may not impact the protein function. This variant occurs in multiple mammalian species, suggesting that the variant may be functionally tolerated. Computational splicing tools suggest that this variant may not impact RNA splicing. To our knowledge, functional assays have not been performed for this variant nor has this variant been reported in individuals affected with cardiovascular disorders in the literature. This variant has been identified in 2/242956 chromosomes in the general population by the Genome Aggregation Database (gnomAD). Available evidence is insufficient to determine the pathogenicity of this variant conclusively.

This study involves interpretation of variants in research participants for the purpose of population health screening. Participant phenotype was not available at the time of variant classification. Additional details can be found in publication PMID: 35346344, PMCID: PMC8962531

Color Diagnostics, LLC DBA Color Health
Classification: Uncertain significance for Familial thoracic aortic aneurysm and aortic dissection. Last evaluated: 2024-03-06. Review status: criteria provided, single submitter. Criteria: ACMG Guidelines, 2015. Collection method: clinical testing. Allele origin: germline.
Comment: This missense variant replaces glycine with serine at codon 945 of the MYH11 protein. Computational prediction tools indicate that this variant has a neutral impact on protein structure and function. To our knowledge, functional studies have not been reported for this variant. This variant has not been reported in individuals affected with MYH11-related disorders in the literature. This variant has been identified in 3/279584 chromosomes in the general population by the Genome Aggregation Database (gnomAD). The available evidence is insufficient to determine the role of this variant in disease conclusively. Therefore, this variant is classified as a Variant of Uncertain Significance.

Ambry Genetics
Classification: Uncertain significance for Familial thoracic aortic aneurysm and aortic dissection. Last evaluated: 2022-12-06. Review status: criteria provided, single submitter. Criteria: Ambry Variant Classification Scheme 2023. Collection method: clinical testing. Allele origin: germline.
Comment: The p.G938S variant (also known as c.2812G>A), located in coding exon 21 of the MYH11 gene, results from a G to A substitution at nucleotide position 2812. The glycine at codon 938 is replaced by serine, an amino acid with similar properties. This amino acid position is conserved. In addition, this alteration is predicted to be tolerated by in silico analysis. Since supporting evidence is limited at this time, the clinical significance of this alteration remains unclear.

GeneDx
Classification: Uncertain significance. Last evaluated: 2022-04-29. Review status: criteria provided, single submitter. Criteria: GeneDx Variant Classification Process June 2021. Collection method: clinical testing. Allele origin: germline. Affected: yes.
Comment: Has not been previously published as pathogenic or benign to our knowledge; Not observed at a significant frequency in large population cohorts (gnomAD); In silico analysis supports that this missense variant does not alter protein structure/function